The following is an entry in ClinVar:

ClinVar aggregate classification (germline): Likely benign (0 of 4 stars; one submission).

Conditions:
GATA6-related disorder. Also called: GATA6-related condition.

Submission:

PreventionGenetics, part of Exact Sciences
Classification: Likely benign for GATA6-related condition. Last evaluated: 2021-05-05. Review status: no assertion criteria provided. Collection method: clinical testing. Allele origin: germline.
Comment: This variant is classified as likely benign based on ACMG/AMP sequence variant interpretation guidelines (Richards et al. 2015 PMID: 25741868, with internal and published modifications).

NM_005257.6(GATA6):c.519G>T (p.Ala173=)

Gene: GATA6 (GATA binding protein 6; plus strand). Cytogenetic location: 18q11.2.
Variant type: single nucleotide variant.
Coding change: c.519G>T on transcript NM_005257.6 (MANE Select); coding-DNA position 519, G replaced by T.
Protein change: p.Ala173=; no amino-acid change (alanine 173 retained).
Molecular consequence: synonymous variant.
Genome position (GRCh38, 1-based): chr18:22,171,663, G>T. VCF-style: chr18-22171663-G-T. GRCh37 (hg19) VCF-style: chr18-19751624-G-T.
Identifiers: ClinVar variation 3057723 (VCV003057723.2), dbSNP rs2510625893, ClinGen allele CA503529613.